The following is an entry in ClinVar:

ClinVar aggregate classification (germline): Uncertain significance (1 of 4 stars; one submission).

Conditions:
Chédiak-Higashi syndrome (CHS). Also called: Chediak-Higashi Syndrome. Identifiers: Orphanet 167, MedGen C0007965, MONDO:0008963, OMIM 214500.

Submission:

Labcorp Genetics (formerly Invitae), Labcorp
Classification: Uncertain significance for Chédiak-Higashi syndrome. Last evaluated: 2022-08-16. Review status: criteria provided, single submitter. Criteria: Invitae Variant Classification Sherloc (09022015). Collection method: clinical testing. Allele origin: germline.
Comment: This sequence change replaces glycine, which is neutral and non-polar, with valine, which is neutral and non-polar, at codon 1220 of the LYST protein (p.Gly1220Val). This variant is not present in population databases (gnomAD no frequency). This variant has not been reported in the literature in individuals affected with LYST-related conditions. ClinVar contains an entry for this variant (Variation ID: 1061210). Algorithms developed to predict the effect of missense changes on protein structure and function are either unavailable or do not agree on the potential impact of this missense change (SIFT: "Deleterious"; PolyPhen-2: "Probably Damaging"; Align-GVGD: "Class C0"). In summary, the available evidence is currently insufficient to determine the role of this variant in disease. Therefore, it has been classified as a Variant of Uncertain Significance.

NM_000081.4(LYST):c.3659G>T (p.Gly1220Val)

Gene: LYST (lysosomal trafficking regulator; minus strand). Cytogenetic location: 1q42.3.
Variant type: single nucleotide variant.
Coding change: c.3659G>T on transcript NM_000081.4 (MANE Select); coding-DNA position 3659, G replaced by T.
Protein change: p.Gly1220Val; replaces glycine 1220 with valine.
Molecular consequence: missense variant.
Genome position (GRCh38, 1-based): chr1:235,802,961, C>A on the plus strand (G>T on the coding strand, the complement: LYST is on the minus strand). VCF-style: chr1-235802961-C-A. GRCh37 (hg19) VCF-style: chr1-235966261-C-A.
Other names: c.3659G>T, p.Gly1220Val (NM_001301365.1); short protein forms G1220V.
Identifiers: ClinVar variation 1061210 (VCV001061210.6), dbSNP rs2527036917, ClinGen allele CA344946643.